The following is an entry in ClinVar:

NM_016151.4(TAOK2):c.3008A>G (p.Tyr1003Cys)

Gene: TAOK2 (TAO kinase 2; plus strand). Cytogenetic location: 16p11.2.
Variant type: single nucleotide variant.
Coding change: c.3008A>G on transcript NM_016151.4 (MANE Select); coding-DNA position 3008, A replaced by G.
Protein change: p.Tyr1003Cys; replaces tyrosine 1003 with cysteine.
Molecular consequence: missense variant. On other transcripts: intron variant (1).
Genome position (GRCh38, 1-based): chr16:29,987,280, A>G. VCF-style: chr16-29987280-A-G. GRCh37 (hg19) VCF-style: chr16-29998601-A-G.
Other names: c.2669A>G, p.Tyr890Cys (NM_001252043.2); c.2232+776A>G (NM_004783.4); short protein forms Y890C, Y1003C.
Identifiers: ClinVar variation 2963532 (VCV002963532.3), dbSNP rs778607509, ClinGen allele CA280400459.

ClinVar aggregate classification (germline): Uncertain significance (1 of 4 stars; one submission).

Allele frequency attached by ClinVar (database versions not stated): gnomAD 0.00001; gnomAD exomes 0.00001.
gnomAD v4.1: 19 of 1,526,318 alleles (0.0012%); highest among the groups gnomAD compares: South Asian, 0.0026%; no homozygotes.

Submission:

Labcorp Genetics (formerly Invitae), Labcorp
Classification: Uncertain significance. Last evaluated: 2023-09-10. Review status: criteria provided, single submitter. Criteria: Invitae Variant Classification Sherloc (09022015). Collection method: clinical testing. Allele origin: germline.
Comment: In summary, the available evidence is currently insufficient to determine the role of this variant in disease. Therefore, it has been classified as a Variant of Uncertain Significance. An algorithm developed to predict the effect of missense changes on protein structure and function (PolyPhen-2) suggests that this variant is likely to be disruptive. This variant has not been reported in the literature in individuals affected with TAOK2-related conditions. The frequency data for this variant in the population databases is considered unreliable, as metrics indicate poor data quality at this position in the gnomAD database. This sequence change replaces tyrosine, which is neutral and polar, with cysteine, which is neutral and slightly polar, at codon 1003 of the TAOK2 protein (p.Tyr1003Cys).